The following is an entry in ClinVar:

ClinVar aggregate classification (germline): Uncertain significance. Review status: criteria provided, single submitter (1 of 4 stars). 2 submissions from 2 submitters: Uncertain significance (1). 1 of the submissions does not count toward it. Last evaluated 2025-11-10.

Conditions:
SEMA3E-related disorder. Also called: SEMA3E-related condition.
CHARGE syndrome (CHARGE). Also called: Hittner Hirsch Kreh syndrome; CHARGE ASSOCIATION--COLOBOMA, HEART ANOMALY, CHOANAL ATRESIA, RETARDATION, GENITAL AND EAR ANOMALIES; Coloboma, heart anomaly, choanal atresia, retardation, genital and ear anomalies; CHARGE association; Hall-Hittner syndrome. Identifiers: Orphanet 138, MedGen C0265354, MONDO:0008965.

Allele frequency attached by ClinVar (database versions not stated): ExAC 0.00001; gnomAD exomes 0.00002 and 0.00004; TOPMed 0.00006.
gnomAD v4.1: 40 of 1,612,768 alleles (0.0025%); highest among the groups gnomAD compares: Middle Eastern, 0.033%; no homozygotes.

Submissions (2):

Labcorp Genetics (formerly Invitae), Labcorp
Classification: Uncertain significance for CHARGE syndrome. Last evaluated: 2025-11-10. Review status: criteria provided, single submitter. Criteria: Invitae Variant Classification Sherloc (09022015). Collection method: clinical testing. Allele origin: germline.
Comment: This sequence change affects codon 500 of the SEMA3E mRNA. It is a 'silent' change, meaning that it does not change the encoded amino acid sequence of the SEMA3E protein. This variant also falls at the last nucleotide of exon 13, which is part of the consensus splice site for this exon. This variant is present in population databases (rs767115234, gnomAD 0.008%). This variant has not been reported in the literature in individuals affected with SEMA3E-related conditions. ClinVar contains an entry for this variant (Variation ID: 840311). Variants that disrupt the consensus splice site are a relatively common cause of aberrant splicing (PMID: 17576681, 9536098). Algorithms developed to predict the effect of sequence changes on RNA splicing suggest that this variant may disrupt the consensus splice site. In summary, the available evidence is currently insufficient to determine the role of this variant in disease. Therefore, it has been classified as a Variant of Uncertain Significance.

PreventionGenetics, part of Exact Sciences
Classification: Likely benign for SEMA3E-related condition. Last evaluated: 2021-09-09. Review status: no assertion criteria provided. Collection method: clinical testing. Allele origin: germline. Not counted in ClinVar's aggregate classification.
Comment: This variant is classified as likely benign based on ACMG/AMP sequence variant interpretation guidelines (Richards et al. 2015 PMID: 25741868, with internal and published modifications).

Literature cited by the submitters: PubMed 17576681 (cited by Labcorp Genetics (formerly Invitae), Labcorp); PubMed 9536098 (cited by Labcorp Genetics (formerly Invitae), Labcorp).

NM_012431.3(SEMA3E):c.1500G>T (p.Arg500=)

Gene: SEMA3E (semaphorin 3E; minus strand). Cytogenetic location: 7q21.11.
Variant type: single nucleotide variant.
Coding change: c.1500G>T on transcript NM_012431.3 (MANE Select); coding-DNA position 1500, G replaced by T.
Protein change: p.Arg500=; no amino-acid change (arginine 500 retained).
Molecular consequence: synonymous variant.
Genome position (GRCh38, 1-based): chr7:83,394,297, C>A on the plus strand (G>T on the coding strand, the complement: SEMA3E is on the minus strand). VCF-style: chr7-83394297-C-A. GRCh37 (hg19) VCF-style: chr7-83023613-C-A.
Other names: c.1320G>T, p.Arg440= (NM_001178129.2).
Identifiers: ClinVar variation 840311 (VCV000840311.8), dbSNP rs767115234, ClinGen allele CA4322003.